The following is an entry in ClinVar:

ClinVar aggregate classification (germline): Uncertain significance (1 of 4 stars; one submission).

Conditions:
Camptomelic dysplasia (CMPD). Also called: Campomelic Dysplasia; CMPD1/SRA1. Identifiers: Orphanet 140, MedGen C1861922, MONDO:0007251, OMIM 114290.

gnomAD v4.1: 7 of 1,614,136 alleles (0.00043%); highest among the groups gnomAD compares: Non-Finnish European, 0.00059%; no homozygotes.

Submission:

Labcorp Genetics (formerly Invitae), Labcorp
Classification: Uncertain significance for Camptomelic dysplasia. Last evaluated: 2024-11-01. Review status: criteria provided, single submitter. Criteria: Invitae Variant Classification Sherloc (09022015). Collection method: clinical testing. Allele origin: germline.
Comment: This sequence change replaces proline, which is neutral and non-polar, with serine, which is neutral and polar, at codon 258 of the SOX9 protein (p.Pro258Ser). This variant is not present in population databases (gnomAD no frequency). This variant has not been reported in the literature in individuals affected with SOX9-related conditions. ClinVar contains an entry for this variant (Variation ID: 1906013). Invitae Evidence Modeling of protein sequence and biophysical properties (such as structural, functional, and spatial information, amino acid conservation, physicochemical variation, residue mobility, and thermodynamic stability) indicates that this missense variant is not expected to disrupt SOX9 protein function with a negative predictive value of 95%. In summary, the available evidence is currently insufficient to determine the role of this variant in disease. Therefore, it has been classified as a Variant of Uncertain Significance.

NM_000346.4(SOX9):c.772C>T (p.Pro258Ser)

Gene: SOX9 (SRY-box transcription factor 9; plus strand). Cytogenetic location: 17q24.3.
Variant type: single nucleotide variant.
Coding change: c.772C>T on transcript NM_000346.4 (MANE Select); coding-DNA position 772, C replaced by T.
Protein change: p.Pro258Ser; replaces proline 258 with serine.
Molecular consequence: missense variant.
Genome position (GRCh38, 1-based): chr17:72,123,629, C>T. VCF-style: chr17-72123629-C-T. GRCh37 (hg19) VCF-style: chr17-70119770-C-T.
Other names: short protein forms P258S.
Identifiers: ClinVar variation 1906013 (VCV001906013.5), dbSNP rs1295597096, ClinGen allele CA400867014.